The following is an entry in ClinVar:

ClinVar aggregate classification (germline): Uncertain significance. Review status: criteria provided, multiple submitters, no conflicts (2 of 4 stars). 2 submissions from 2 submitters: Uncertain significance (2). Last evaluated 2025-09-19.

Conditions:
Hereditary cancer-predisposing syndrome. Also called: Neoplastic Syndromes, Hereditary; Tumor predisposition; Hereditary neoplastic syndrome; Hereditary Cancer Syndrome. Identifiers: Orphanet 140162, MedGen C0027672, MeSH D009386, MONDO:0015356.
Hereditary nonpolyposis colorectal neoplasms. Identifiers: MedGen C0009405, MeSH D003123.

Submissions (2):

Labcorp Genetics (formerly Invitae), Labcorp
Classification: Uncertain significance for Hereditary nonpolyposis colorectal neoplasms. Last evaluated: 2025-09-19. Review status: criteria provided, single submitter. Criteria: Invitae Variant Classification Sherloc (09022015). Collection method: clinical testing. Allele origin: germline.
Comment: This sequence change replaces aspartic acid, which is acidic and polar, with isoleucine, which is neutral and non-polar, at codon 1277 of the MSH6 protein (p.Asp1277Ile). Information on the frequency of this variant in the gnomAD database is not available, as this variant may be reported differently in the database. This variant has not been reported in the literature in individuals affected with MSH6-related conditions. ClinVar contains an entry for this variant (Variation ID: 3230563). An algorithm developed to predict the effect of missense changes on protein structure and function (PolyPhen-2) suggests that this variant is likely to be disruptive. In summary, the available evidence is currently insufficient to determine the role of this variant in disease. Therefore, it has been classified as a Variant of Uncertain Significance.

Ambry Genetics
Classification: Uncertain significance for Hereditary cancer-predisposing syndrome. Last evaluated: 2024-03-06. Review status: criteria provided, single submitter. Criteria: Ambry Variant Classification Scheme 2023. Collection method: clinical testing. Allele origin: germline.
Comment: The c.3829_3830delGAinsAT variant (also known as p.D1277I), located in coding exon 9 of the MSH6 gene, results from an in-frame deletion of GA and insertion of AT at nucleotide positions 3829 to 3830. This results in the substitution of the aspartic acid residue for an isoleucine residue at codon 1277, an amino acid with highly dissimilar properties. This amino acid position is highly conserved in available vertebrate species. In addition, this alteration is predicted to be deleterious by in silico analysis (Choi Y et al. PLoS ONE. 2012; 7(10):e46688). Since supporting evidence is limited at this time, the clinical significance of this alteration remains unclear.

NM_000179.3(MSH6):c.3829_3830delinsAT (p.Asp1277Ile)

Gene: MSH6 (mutS homolog 6; plus strand). Cytogenetic location: 2p16.3.
Variant type: Indel.
Coding change: c.3829_3830delinsAT on transcript NM_000179.3 (MANE Select); coding-DNA positions 3829 to 3830, GA replaced by AT.
Protein change: p.Asp1277Ile; replaces aspartic acid 1277 with isoleucine.
Molecular consequence: missense variant. On other transcripts: non-coding transcript variant (5), intron variant (1).
Genome position (GRCh38, 1-based): chr2:47,806,479-47,806,480, GA replaced by AT. VCF-style: chr2-47806479-GA-AT. GRCh37 (hg19) VCF-style: chr2-48033618-GA-AT.
Other names: c.3439_3440delinsAT, p.Asp1147Ile (NM_001281492.2); c.2923_2924delinsAT, p.Asp975Ile (NM_001281493.2, NM_001281494.2, NM_001406811.1 and 6 more transcripts); c.3925_3926delinsAT, p.Asp1309Ile (NM_001406795.1); c.3829_3830delinsAT, p.Asp1277Ile (NM_001406796.1, NM_001406808.1, NM_001406809.1); c.3532_3533delinsAT, p.Asp1178Ile (NM_001406797.1, NM_001406801.1, NM_001406805.1 and 10 more transcripts); c.3655_3656delinsAT, p.Asp1219Ile (NM_001406798.1); c.3304_3305delinsAT, p.Asp1102Ile (NM_001406799.1, NM_001406806.1, NM_001406807.1); c.3816_3817delinsAT, p.Thr1273Ser (NM_001406800.1); and 9 more; short protein forms D1102I, D1147I, D1178I, D1219I, D1221I, D1251I, D1277I, D1279I.
Identifiers: ClinVar variation 3230563 (VCV003230563.2), dbSNP rs2530857133, ClinGen allele CA2825001133.